The following is an entry in ClinVar:

NM_015884.4(MBTPS2):c.859G>A (p.Val287Ile)

Gene: MBTPS2 (membrane bound transcription factor peptidase, site 2; plus strand). Cytogenetic location: Xp22.12.
Variant type: single nucleotide variant.
Coding change: c.859G>A on transcript NM_015884.4 (MANE Select); coding-DNA position 859, G replaced by A.
Protein change: p.Val287Ile; replaces valine 287 with isoleucine.
Molecular consequence: missense variant.
Genome position (GRCh38, 1-based): chrX:21,869,567, G>A. VCF-style: chrX-21869567-G-A. GRCh37 (hg19) VCF-style: chrX-21887685-G-A.
Other names: short protein forms V287I.
Identifiers: ClinVar variation 2909530 (VCV002909530.3), dbSNP rs2092944598, ClinGen allele CA412568280.

ClinVar aggregate classification (germline): Uncertain significance (1 of 4 stars; one submission).

Allele frequency attached by ClinVar (database versions not stated): TOPMed below 0.00001; gnomAD exomes 0.00002.
gnomAD v4.1: 19 of 1,209,644 alleles (0.0016%); highest among the groups gnomAD compares: Non-Finnish European, 0.0021%; no homozygotes.

Submission:

Labcorp Genetics (formerly Invitae), Labcorp
Classification: Uncertain significance. Last evaluated: 2023-10-22. Review status: criteria provided, single submitter. Criteria: Invitae Variant Classification Sherloc (09022015). Collection method: clinical testing. Allele origin: germline.
Comment: This sequence change replaces valine, which is neutral and non-polar, with isoleucine, which is neutral and non-polar, at codon 287 of the MBTPS2 protein (p.Val287Ile). This variant is not present in population databases (gnomAD no frequency). This variant has not been reported in the literature in individuals affected with MBTPS2-related conditions. Advanced modeling of protein sequence and biophysical properties (such as structural, functional, and spatial information, amino acid conservation, physicochemical variation, residue mobility, and thermodynamic stability) performed at Invitae indicates that this missense variant is not expected to disrupt MBTPS2 protein function. In summary, the available evidence is currently insufficient to determine the role of this variant in disease. Therefore, it has been classified as a Variant of Uncertain Significance.